The following is an entry in ClinVar:

NM_173354.5(SIK1):c.1871_1872delinsTT (p.Gly624Val)

Gene: SIK1 (salt inducible kinase 1; minus strand). Cytogenetic location: 21q22.3.
Variant type: Indel.
Coding change: c.1871_1872delinsTT on transcript NM_173354.5 (MANE Select); coding-DNA positions 1871 to 1872, GC replaced by TT.
Protein change: p.Gly624Val; replaces glycine 624 with valine.
Molecular consequence: missense variant.
Genome position (GRCh38, 1-based): chr21:43,417,647-43,417,648, GC replaced by AA on the plus strand (GC replaced by TT on the coding strand, the reverse complement: SIK1 is on the minus strand). VCF-style: chr21-43417647-GC-AA. GRCh37 (hg19) VCF-style: chr21-44837527-GC-AA.
Other names: short protein forms G624V.
Identifiers: ClinVar variation 1377349 (VCV001377349.6), dbSNP rs2146468803, ClinGen allele CA2573157463.

ClinVar aggregate classification (germline): Uncertain significance (1 of 4 stars; one submission).

Conditions:
Developmental and epileptic encephalopathy, 30 (DEE30). Also called: Epileptic encephalopathy, early infantile, 30. Identifiers: MedGen C4225360, MONDO:0014595, OMIM 616341.

Submission:

Labcorp Genetics (formerly Invitae), Labcorp
Classification: Uncertain significance for Developmental and epileptic encephalopathy, 30. Last evaluated: 2025-03-18. Review status: criteria provided, single submitter. Criteria: Invitae Variant Classification Sherloc (09022015). Collection method: clinical testing. Allele origin: germline.
Comment: This sequence change replaces glycine, which is neutral and non-polar, with valine, which is neutral and non-polar, at codon 624 of the SIK1 protein (p.Gly624Val). This variant is present in population databases (no rsID available, gnomAD 0.007%). This variant has not been reported in the literature in individuals affected with SIK1-related conditions. ClinVar contains an entry for this variant (Variation ID: 1377349). An algorithm developed to predict the effect of missense changes on protein structure and function (PolyPhen-2) suggests that this variant is likely to be disruptive. In summary, the available evidence is currently insufficient to determine the role of this variant in disease. Therefore, it has been classified as a Variant of Uncertain Significance.